The following is an entry in ClinVar:

NM_001267550.2(TTN):c.105152C>T (p.Ser35051Phe)

Genes: TTN (titin; minus strand), TTN-AS1 (TTN antisense RNA 1; plus strand), LOC129935185 (ATAC-STARR-seq lymphoblastoid active region 16810; plus strand). Cytogenetic location: 2q31.2.
Variant type: single nucleotide variant.
Coding change: c.105152C>T on transcript NM_001267550.2 (MANE Select); coding-DNA position 105152, C replaced by T.
Protein change: p.Ser35051Phe; replaces serine 35051 with phenylalanine.
Molecular consequence: missense variant.
Genome position (GRCh38, 1-based): chr2:178,531,463, G>A on the plus strand (C>T on the coding strand, the complement: TTN is on the minus strand). VCF-style: chr2-178531463-G-A. GRCh37 (hg19) VCF-style: chr2-179396190-G-A.
Other names: c.78533C>T, p.Ser26178Phe (NM_133437.4); c.100229C>T, p.Ser33410Phe (NM_001256850.1); c.77957C>T, p.Ser25986Phe (NM_003319.4); c.97448C>T, p.Ser32483Phe (NM_133378.4); c.78332C>T, p.Ser26111Phe (NM_133432.3); short protein forms S26111F, S35051F, S25986F, S33410F, S26178F, S32483F.
Identifiers: ClinVar variation 2039745 (VCV002039745.4), dbSNP rs2468410807, ClinGen allele CA349409378.
Genomic context (GRCh38, chr2:178,531,463, plus strand): 5'-GATGTTTTCTTAAATGATGAAACAGCATACGCCTCTGTTCTTGTCAGCTCAGGGAAAACA[G>A]ATCTGGGGACCTCTTCATCTCTGCGTTGGGAAGCATAGGTGGTATAATCCCCTCCTGTCA-3'
Protein context (NP_001254479.2, residues 35041-35061): SQRRDEEVPR[Ser35051Phe]VFPELTRTEA

ClinVar aggregate classification (germline): Uncertain significance (1 of 4 stars; one submission).

Conditions:
Dilated cardiomyopathy 1G (CMD1G). Identifiers: Orphanet 154, MedGen C1858763, MONDO:0011400, OMIM 604145.
Autosomal recessive limb-girdle muscular dystrophy type 2J (LGMDR10). Also called: MUSCULAR DYSTROPHY, LIMB-GIRDLE, AUTOSOMAL RECESSIVE 10; Limb-girdle muscular dystrophy, type 2J. Identifiers: Orphanet 140922, MedGen C1837342, MONDO:0012127, OMIM 608807.

Allele frequency attached by ClinVar (database versions not stated): gnomAD exomes below 0.00001.
gnomAD v4.1: 2 of 1,613,882 alleles (0.00012%); highest among the groups gnomAD compares: Admixed American, 0.0017%; no homozygotes.

Submission:

Labcorp Genetics (formerly Invitae), Labcorp
Classification: Uncertain significance for Dilated cardiomyopathy 1G; Autosomal recessive limb-girdle muscular dystrophy type 2J. Last evaluated: 2024-09-30. Review status: criteria provided, single submitter. Criteria: Invitae Variant Classification Sherloc (09022015). Collection method: clinical testing. Allele origin: germline.
Comment: This sequence change replaces serine, which is neutral and polar, with phenylalanine, which is neutral and non-polar, at codon 35051 of the TTN protein (p.Ser35051Phe). This variant is not present in population databases (gnomAD no frequency). This variant has not been reported in the literature in individuals affected with TTN-related conditions. ClinVar contains an entry for this variant (Variation ID: 2039745). Experimental studies and prediction algorithms are not available or were not evaluated, and the functional significance of this variant is currently unknown. This variant is located in the M band of TTN (PMID: 25589632). Non-truncating variants in this region may be relevant for neuromuscular disorders, but have not been definitively shown to cause cardiomyopathy (PMID: 23975875). In summary, the available evidence is currently insufficient to determine the role of this variant in disease. Therefore, it has been classified as a Variant of Uncertain Significance.

Literature cited by the submitters: PubMed 25589632; PubMed 23975875.